The following is an entry in ClinVar:

NM_016343.4(CENPF):c.1517A>T (p.Glu506Val)

Gene: CENPF (centromere protein F; plus strand). Cytogenetic location: 1q41.
Variant type: single nucleotide variant.
Coding change: c.1517A>T on transcript NM_016343.4 (MANE Select); coding-DNA position 1517, A replaced by T.
Protein change: p.Glu506Val; replaces glutamic acid 506 with valine.
Molecular consequence: missense variant.
Genome position (GRCh38, 1-based): chr1:214,637,936, A>T. VCF-style: chr1-214637936-A-T. GRCh37 (hg19) VCF-style: chr1-214811279-A-T.
Other names: c.1517A>T (NM_016343.3); short protein forms E506V.
Identifiers: ClinVar variation 1623350 (VCV001623350.12), dbSNP rs140375946, ClinGen allele CA1390084.

ClinVar aggregate classification (germline): Conflicting classifications of pathogenicity. Review status: criteria provided, conflicting classifications (1 of 4 stars). 5 submissions from 5 submitters: Uncertain significance (3); Likely benign (1). 1 of the submissions does not count toward it. Last evaluated 2026-01-04.

Conditions:
Inborn genetic diseases. Identifiers: MedGen C0950123, MeSH D030342.
CENPF-related disorder. Also called: CENPF-related condition.

Allele frequency attached by ClinVar (database versions not stated): 1000 Genomes Project 30x 0.00016; 1000 Genomes Project 0.00020; ESP Exome Variant Server 0.00046.
gnomAD v4.1: 172 of 1,613,486 alleles (0.011%); highest among the groups gnomAD compares: African/African-American, 0.19%; no homozygotes.

Submissions (5):

GeneDx
Classification: Uncertain significance. Last evaluated: 2026-01-04. Review status: criteria provided, single submitter. Criteria: GeneDx Variant Classification Process June 2021. Collection method: clinical testing. Allele origin: germline.
Comment: In silico analysis supports that this missense variant has a deleterious effect on protein structure/function; Has been reported as maternally inherited in a patient with hydrocephalus but additional patient specific details were not provided in this report (PMID: 37158713); This variant is associated with the following publications: (PMID: 37158713)

Labcorp Genetics (formerly Invitae), Labcorp
Classification: Likely benign. Last evaluated: 2025-10-05. Review status: criteria provided, single submitter. Criteria: Invitae Variant Classification Sherloc (09022015). Collection method: clinical testing. Allele origin: germline.

Blueprint Genetics
Classification: Uncertain significance. Last evaluated: 2024-11-13. Review status: criteria provided, single submitter. Criteria: ACMG Guidelines, 2015. Collection method: clinical testing. Allele origin: germline.

Ambry Genetics
Classification: Uncertain significance for Inborn genetic diseases. Last evaluated: 2022-12-19. Review status: criteria provided, single submitter. Criteria: Ambry Variant Classification Scheme 2023. Collection method: clinical testing. Allele origin: germline.

PreventionGenetics, part of Exact Sciences
Classification: Likely benign for CENPF-related condition. Last evaluated: 2022-10-19. Review status: no assertion criteria provided. Collection method: clinical testing. Allele origin: germline. Not counted in ClinVar's aggregate classification.
Comment: This variant is classified as likely benign based on ACMG/AMP sequence variant interpretation guidelines (Richards et al. 2015 PMID: 25741868, with internal and published modifications).